The following is an entry in ClinVar:

NM_004320.6(ATP2A1):c.545-295A>G

Gene: ATP2A1 (ATPase sarcoplasmic/endoplasmic reticulum Ca2+ transporting 1; plus strand). Cytogenetic location: 16p11.2.
Variant type: single nucleotide variant.
Coding change: c.545-295A>G on transcript NM_004320.6 (MANE Select); 295 bases into the intron before coding-DNA position 545, A replaced by G.
Molecular consequence: intron variant.
Genome position (GRCh38, 1-based): chr16:28,886,894, A>G. VCF-style: chr16-28886894-A-G. GRCh37 (hg19) VCF-style: chr16-28898215-A-G.
Other names: c.545-295A>G (NM_173201.5); c.170-295A>G (NM_001286075.2).
Identifiers: ClinVar variation 673575 (VCV000673575.1), dbSNP rs112150733, ClinGen allele CA279231877.

ClinVar aggregate classification (germline): Likely benign (1 of 4 stars; one submission).

Allele frequency attached by ClinVar (database versions not stated): gnomAD 0.00944 and 0.01014; 1000 Genomes Project 30x 0.00968; 1000 Genomes Project 0.00978; TOPMed 0.01099.
gnomAD v4.1: 1,388 of 149,100 alleles (0.93%); highest among the groups gnomAD compares: African/African-American, 3.3%; 23 homozygotes.

Submission:

GeneDx
Classification: Likely benign. Last evaluated: 2018-06-16. Review status: criteria provided, single submitter. Criteria: GeneDx Variant Classification (06012015). Collection method: clinical testing. Allele origin: germline. Affected: yes.
Comment: This variant is considered likely benign or benign based on one or more of the following criteria: it is a conservative change, it occurs at a poorly conserved position in the protein, it is predicted to be benign by multiple in silico algorithms, and/or has population frequency not consistent with disease.